The following is an entry in ClinVar:

NM_024529.5(CDC73):c.1187G>T (p.Gly396Val)

Gene: CDC73 (cell division cycle 73; plus strand). Cytogenetic location: 1q31.2.
Variant type: single nucleotide variant.
Coding change: c.1187G>T on transcript NM_024529.5 (MANE Select); coding-DNA position 1187, G replaced by T.
Protein change: p.Gly396Val; replaces glycine 396 with valine.
Molecular consequence: missense variant.
Genome position (GRCh38, 1-based): chr1:193,233,025, G>T. VCF-style: chr1-193233025-G-T. GRCh37 (hg19) VCF-style: chr1-193202155-G-T.
Other names: short protein forms G396V.
Identifiers: ClinVar variation 2695511 (VCV002695511.4), dbSNP rs146571552, ClinGen allele CA344077782.

ClinVar aggregate classification (germline): Uncertain significance. Review status: criteria provided, multiple submitters, no conflicts (2 of 4 stars). 2 submissions from 2 submitters: Uncertain significance (2). Last evaluated 2025-04-07.

Conditions:
Hereditary cancer-predisposing syndrome. Also called: Neoplastic Syndromes, Hereditary; Tumor predisposition; Hereditary neoplastic syndrome; Hereditary Cancer Syndrome. Identifiers: Orphanet 140162, MedGen C0027672, MeSH D009386, MONDO:0015356.
Parathyroid carcinoma (PRTC). Also called: CDC73-Related Parathyroid Carcinoma; Parathyroid gland carcinoma. Identifiers: Orphanet 143, MedGen C0687150, MONDO:0012004, OMIM 608266, HP:0006780.

Allele frequency attached by ClinVar (database versions not stated): gnomAD exomes below 0.00001.
gnomAD v4.1: 1 of 1,613,850 alleles (0.000062%); highest among the groups gnomAD compares: Non-Finnish European, 0.000085%; no homozygotes.

Submissions (2):

Labcorp Genetics (formerly Invitae), Labcorp
Classification: Uncertain significance for Parathyroid carcinoma. Last evaluated: 2025-04-07. Review status: criteria provided, single submitter. Criteria: Invitae Variant Classification Sherloc (09022015). Collection method: clinical testing. Allele origin: germline.
Comment: This sequence change replaces glycine, which is neutral and non-polar, with valine, which is neutral and non-polar, at codon 396 of the CDC73 protein (p.Gly396Val). This variant is not present in population databases (gnomAD no frequency). This variant has not been reported in the literature in individuals affected with CDC73-related conditions. ClinVar contains an entry for this variant (Variation ID: 2695511). Invitae Evidence Modeling of protein sequence and biophysical properties (such as structural, functional, and spatial information, amino acid conservation, physicochemical variation, residue mobility, and thermodynamic stability) indicates that this missense variant is expected to disrupt CDC73 protein function with a positive predictive value of 80%. In summary, the available evidence is currently insufficient to determine the role of this variant in disease. Therefore, it has been classified as a Variant of Uncertain Significance.

Ambry Genetics
Classification: Uncertain significance for Hereditary cancer-predisposing syndrome. Last evaluated: 2024-02-16. Review status: criteria provided, single submitter. Criteria: Ambry Variant Classification Scheme 2023. Collection method: clinical testing. Allele origin: germline.
Comment: The p.G396V variant (also known as c.1187G>T), located in coding exon 14 of the CDC73 gene, results from a G to T substitution at nucleotide position 1187. The glycine at codon 396 is replaced by valine, an amino acid with dissimilar properties. This amino acid position is conserved. In addition, the in silico prediction for this alteration is inconclusive. Based on the available evidence, the clinical significance of this alteration remains unclear.